The following is an entry in ClinVar:

ClinVar aggregate classification (germline): Benign/Likely benign. Review status: criteria provided, multiple submitters, no conflicts (2 of 4 stars). 5 submissions from 5 submitters: Benign (1); Likely benign (4). Last evaluated 2025-12-16.

Conditions:
Arrhythmogenic cardiomyopathy with wooly hair and keratoderma. Also called: Arrhythmogenic cardiomyopathy with woolly hair and keratoderma; Carvajal syndrome; PALMOPLANTAR KERATODERMA WITH LEFT VENTRICULAR CARDIOMYOPATHY AND WOOLLY HAIR; Dilated cardiomyopathy with woolly hair and keratoderma. Identifiers: Orphanet 65282, MedGen C1854063, MONDO:0011581, OMIM 605676.
Arrhythmogenic right ventricular dysplasia 8 (ARVD8). Also called: Arrhythmogenic Right Ventricular Dysplasia/Cardiomyopathy 8; ARRHYTHMOGENIC RIGHT VENTRICULAR DYSPLASIA, FAMILIAL, 8; ARRHYTHMOGENIC RIGHT VENTRICULAR CARDIOMYOPATHY 8. Identifiers: MedGen C1843896, MONDO:0011831, OMIM 607450.
Cardiomyopathy (CMYO). Also called: Cardiomyopathies. Identifiers: Orphanet 167848, MedGen C0878544, MONDO:0004994, HP:0001638. Inheritance: Various modes of inheritance.
Cardiovascular phenotype. Identifiers: MedGen CN230736.

Allele frequency attached by ClinVar (database versions not stated): gnomAD 0.00001; gnomAD exomes 0.00001 and 0.00002; TOPMed 0.00001.
gnomAD v4.1: 27 of 1,614,016 alleles (0.0017%); highest among the groups gnomAD compares: South Asian, 0.0066%; no homozygotes.

Submissions (5):

Labcorp Genetics (formerly Invitae), Labcorp
Classification: Benign for Arrhythmogenic cardiomyopathy with wooly hair and keratoderma; Arrhythmogenic right ventricular dysplasia 8. Last evaluated: 2025-12-16. Review status: criteria provided, single submitter. Criteria: Invitae Variant Classification Sherloc (09022015). Collection method: clinical testing. Allele origin: germline.

CeGaT Center for Human Genetics Tuebingen
Classification: Likely benign. Last evaluated: 2025-11-01. Review status: criteria provided, single submitter. Criteria: CeGaT Center For Human Genetics Tuebingen Variant Classification Criteria Version 2. Collection method: clinical testing. Allele origin: germline. Affected: yes. Observed: 1 variant allele.
Comment: DSP: BP4, BP7

All of Us Research Program, National Institutes of Health
Classification: Likely benign for Arrhythmogenic cardiomyopathy with wooly hair and keratoderma. Last evaluated: 2023-09-04. Review status: criteria provided, single submitter. Criteria: ACMG Guidelines, 2015. Collection method: clinical testing. Allele origin: germline. Inheritance: Autosomal dominant inheritance. Observed: 1 variant allele, 1 heterozygote.
Comment: This study involves interpretation of variants in research participants for the purpose of population health screening. Participant phenotype was not available at the time of variant classification. Additional details can be found in publication PMID: 35346344, PMCID: PMC8962531

Ambry Genetics
Classification: Likely benign for Cardiovascular phenotype. Last evaluated: 2022-12-23. Review status: criteria provided, single submitter. Criteria: Ambry Variant Classification Scheme 2023. Collection method: clinical testing. Allele origin: germline.

Color Diagnostics, LLC DBA Color Health
Classification: Likely benign for Cardiomyopathy. Last evaluated: 2020-01-09. Review status: criteria provided, single submitter. Criteria: ACMG Guidelines, 2015. Collection method: clinical testing. Allele origin: germline.

NM_004415.4(DSP):c.7089C>T (p.His2363=)

Gene: DSP (desmoplakin; plus strand). Cytogenetic location: 6p24.3.
Variant type: single nucleotide variant.
Coding change: c.7089C>T on transcript NM_004415.4 (MANE Select); coding-DNA position 7089, C replaced by T.
Protein change: p.His2363=; no amino-acid change (histidine 2363 retained).
Molecular consequence: synonymous variant.
Genome position (GRCh38, 1-based): chr6:7,584,351, C>T. VCF-style: chr6-7584351-C-T. GRCh37 (hg19) VCF-style: chr6-7584584-C-T.
Other names: c.5292C>T, p.His1764= (NM_001008844.3); c.5760C>T, p.His1920= (NM_001319034.2).
Identifiers: ClinVar variation 925397 (VCV000925397.15), dbSNP rs1001343270, ClinGen allele CA133975665.
Genomic context (GRCh38, chr6:7,584,351, plus strand): 5'-AACAGGAAACATCATCTCTTTGTTCCAAGCCATGAATAAGGAACTCATCGAAAAGGGCCA[C>T]GGTATTCGCTTATTAGAAGCACAGATCGCAACCGGGGGGATCATTGACCCAAAGGAGAGC-3'
Protein context (NP_004406.2, residues 2353-2373): AMNKELIEKG[His2363=]GIRLLEAQIA